The following is an entry in ClinVar:

NM_000542.5(SFTPB):c.29TGC[6] (p.Leu14_Pro15insLeu)

Gene: SFTPB (surfactant protein B; minus strand). Cytogenetic location: 2p11.2.
Variant type: Microsatellite.
Coding change: c.29TGC[6] on transcript NM_000542.5 (MANE Select); six copies in a row of the 3-base unit TGC starting at c.29; the reference has five copies in a row; one copy, 3 bases duplicated.
Protein change: p.Leu14_Pro15insLeu.
Molecular consequence: inframe insertion. On other transcripts: inframe indel (2).
Genome position (GRCh38, 1-based): chr2:85,668,141-85,668,143, GCA duplicated on the plus strand (TGC on the coding strand, the reverse complement: SFTPB is on the minus strand); duplicating any 3 consecutive bases within chr2:85,668,141-85,668,157 gives the same sequence; the position shown is the placement nearest the transcript's 3' end. VCF-style (leftmost placement, unchanged base first): chr2-85668140-G-GGCA. GRCh37 (hg19) VCF-style: chr2-85895263-G-GGCA.
Other names: c.77_79dup (NM_198843.2); c.27_29GCT[6], p.Leu14_Pro15insLeu (NM_001367281.2, NM_198843.4).
Identifiers: ClinVar variation 1971816 (VCV001971816.7), dbSNP rs147057701, ClinGen allele CA2580611672.
Genomic context (GRCh38, chr2:85,668,140, plus strand): 5'-GAGCTGCCTAGGAGAGGGGAGGCTGGGGGAGACTCACCAGTGCCTGGGCCACAGAGCGTG[G>GGCA]GCAGCAGCAGCAGCAGCCACTGCAGCAGGTGTGACTCAGCCATGGCACCTCTGCAGCCTG-3'

ClinVar aggregate classification (germline): Conflicting classifications of pathogenicity. Review status: criteria provided, conflicting classifications (1 of 4 stars). 3 submissions from 3 submitters: Pathogenic (1); Uncertain significance (2). Last evaluated 2026-02-24.

Conditions:
Hereditary pulmonary alveolar proteinosis. Also called: Pulmonary surfactant metabolism dysfunction. Identifiers: Orphanet 264675, MedGen C3711368, MONDO:0012580.

Submissions (3):

Ambry Genetics
Classification: Uncertain significance for Hereditary pulmonary alveolar proteinosis. Last evaluated: 2026-02-24. Review status: criteria provided, single submitter. Criteria: Ambry Variant Classification Scheme 2023. Collection method: clinical testing. Allele origin: germline.
Comment: The c.77_79dupTGC variant (also known as p.L26dup), located in coding exon 1 of the SFTPB gene, results from an in-frame duplication of TGC at nucleotide positions 77 to 79. This results in the duplication of an extra residue between codons 26 and 27. This amino acid position is highly conserved in available vertebrate species. In addition, this variant is predicted to be neutral by in silico analysis (Choi Y et al. PLoS ONE. 2012; 7(10):e46688). Based on the available evidence, the clinical significance of this variant remains unclear.

Labcorp Genetics (formerly Invitae), Labcorp
Classification: Pathogenic. Last evaluated: 2026-01-18. Review status: criteria provided, single submitter. Criteria: Invitae Variant Classification Sherloc (09022015). Collection method: clinical testing. Allele origin: germline.
Comment: This variant, c.77_79dup, results in the insertion of 1 amino acid(s) of the SFTPB protein (p.Leu26dup), but otherwise preserves the integrity of the reading frame. This variant is not present in population databases (gnomAD no frequency). This variant has been observed in individual(s) with autosomal dominant SFTPB-related conditions (PMID: 39970392). In at least one individual the variant was observed to be de novo. It has also been observed to segregate with disease in related individuals. For these reasons, this variant has been classified as Pathogenic.

GeneDx
Classification: Uncertain significance. Last evaluated: 2025-08-11. Review status: criteria provided, single submitter. Criteria: GeneDx Variant Classification Process June 2021. Collection method: clinical testing. Allele origin: germline. Affected: yes.
Comment: Denoted c.41_3dup, p.Leu14dup, identified in multiple individuals with lung disease and/or lung cancer (PMID: 39970392); In-frame duplication of 1 amino acid(s) in a repetitive region with no known function; Not observed at significant frequency in large population cohorts (gnomAD); This variant is associated with the following publications: (PMID: 39970392)

Literature cited by the submitters: PubMed 39970392 (cited by Ambry Genetics and Labcorp Genetics (formerly Invitae), Labcorp).